The following is an entry in ClinVar:

ClinVar aggregate classification (germline): Likely pathogenic (1 of 4 stars; one submission).

Conditions:
Severe combined immunodeficiency disease. Also called: Severe combined immunodeficiency; Severe Combined Immune Deficiency. Identifiers: Orphanet 183660, MedGen C0085110, MeSH D016511, MONDO:0015974, HP:0004430. Inheritance: X-Linked or Autosomal recessive.

Submission:

Women's Health and Genetics/Laboratory Corporation of America, LabCorp
Classification: Likely pathogenic for Severe combined immunodeficiency disease. Last evaluated: 2022-12-15. Review status: criteria provided, single submitter. Criteria: LabCorp Variant Classification Summary - May 2015. Collection method: clinical testing. Allele origin: germline.
Comment: Variant summary: The variant identified by MLPA or other technology involves the duplication of exons 2-9 in the DOCK8 gene. A presumed nomenclature of c.(53+1_54-1)_(1044+1_1045-1)dup has been designated for the purposes of this classification. It has been assumed that this is a tandem duplication in direct orientation (Richardson_GIM_2018, Newman_AJHG_2015). Although exact breakpoints of this duplication are not known, it is expected to result in a frameshift in the DOCK8 gene. The variant allele was found at a frequency of 4.6e-05 in 21656 control chromosomes in the gnomAD database, structural variants dataset. To our knowledge, no occurrence of c.(53+1_54-1)_(1044+1_1045-1)dup in individuals affected with Severe Combined Immunodeficiency and no experimental evidence demonstrating its impact on protein function have been reported. One clinical diagnostic laboratory has submitted clinical-significance assessments for this variant to ClinVar after 2014 and classified the variant as likely pathogenic. Based on the evidence outlined above, the variant was classified as likely pathogenic.

NC_000009.11:g.(215030_271626)_(328172_332397)dup

Genes: DOCK8 (dedicator of cytokinesis 8; plus strand), DOCK8-AS1 (DOCK8 antisense RNA 1; minus strand). Cytogenetic location: 9p24.3.
Variant type: Duplication.
Identifiers: ClinVar variation 1878319 (VCV001878319.1).